The following is an entry in ClinVar:

ClinVar aggregate classification (germline): Uncertain significance. Review status: criteria provided, multiple submitters, no conflicts (2 of 4 stars). 2 submissions from 2 submitters: Uncertain significance (2). Last evaluated 2025-09-21.

Submissions (2):

Labcorp Genetics (formerly Invitae), Labcorp
Classification: Uncertain significance. Last evaluated: 2025-09-21. Review status: criteria provided, single submitter. Criteria: Invitae Variant Classification Sherloc (09022015). Collection method: clinical testing. Allele origin: germline.
Comment: This sequence change replaces threonine, which is neutral and polar, with isoleucine, which is neutral and non-polar, at codon 553 of the DDX3X protein (p.Thr553Ile). This variant is not present in population databases (gnomAD no frequency). This variant has not been reported in the literature in individuals affected with DDX3X-related conditions. Experimental studies and prediction algorithms are not available or were not evaluated, and the functional significance of this variant is currently unknown. In summary, the available evidence is currently insufficient to determine the role of this variant in disease. Therefore, it has been classified as a Variant of Uncertain Significance.

Blueprint Genetics
Classification: Uncertain significance. Last evaluated: 2024-03-07. Review status: criteria provided, single submitter. Criteria: ACMG Guidelines, 2015. Collection method: clinical testing. Allele origin: germline.

NM_001356.5(DDX3X):c.1658C>T (p.Thr553Ile)

Gene: DDX3X (DEAD-box helicase 3 X-linked; plus strand). Cytogenetic location: Xp11.4.
Variant type: single nucleotide variant.
Coding change: c.1658C>T on transcript NM_001356.5 (MANE Select); coding-DNA position 1658, C replaced by T.
Protein change: p.Thr553Ile; replaces threonine 553 with isoleucine.
Molecular consequence: missense variant. On other transcripts: non-coding transcript variant (1).
Genome position (GRCh38, 1-based): chrX:41,346,901, C>T. VCF-style: chrX-41346901-C-T. GRCh37 (hg19) VCF-style: chrX-41206154-C-T.
Other names: c.1658C>T, p.Thr553Ile (NM_001193416.3); c.1610C>T, p.Thr537Ile (NM_001193417.3); c.1100C>T, p.Thr367Ile (NM_001363819.1); short protein forms T537I, T367I, T553I.
Identifiers: ClinVar variation 4727566 (VCV004727566.2).